The following is an entry in ClinVar:

NM_003073.5(SMARCB1):c.311A>C (p.Asp104Ala)

Gene: SMARCB1 (SWI/SNF related BAF chromatin remodeling complex subunit B1; plus strand). Cytogenetic location: 22q11.23.
Variant type: single nucleotide variant.
Coding change: c.311A>C on transcript NM_003073.5 (MANE Select); coding-DNA position 311, A replaced by C.
Protein change: p.Asp104Ala; replaces aspartic acid 104 with alanine.
Molecular consequence: missense variant.
Genome position (GRCh38, 1-based): chr22:23,793,637, A>C. VCF-style: chr22-23793637-A-C. GRCh37 (hg19) VCF-style: chr22-24135824-A-C.
Other names: c.284A>C, p.Asp95Ala (NM_001007468.3, NM_001317946.2); c.311A>C, p.Asp104Ala (NM_001362877.2); short protein forms D104A, D95A.
Identifiers: ClinVar variation 1358577 (VCV001358577.8), dbSNP rs2145964151, ClinGen allele CA410933872.

ClinVar aggregate classification (germline): Uncertain significance (1 of 4 stars; one submission).

Submission:

Labcorp Genetics (formerly Invitae), Labcorp
Classification: Uncertain significance. Last evaluated: 2020-12-22. Review status: criteria provided, single submitter. Criteria: Invitae Variant Classification Sherloc (09022015). Collection method: clinical testing. Allele origin: germline.
Comment: In summary, the available evidence is currently insufficient to determine the role of this variant in disease. Therefore, it has been classified as a Variant of Uncertain Significance. Algorithms developed to predict the effect of missense changes on protein structure and function (SIFT, PolyPhen-2, Align-GVGD) all suggest that this variant is likely to be tolerated, but these predictions have not been confirmed by published functional studies and their clinical significance is uncertain. This variant has not been reported in the literature in individuals with SMARCB1-related conditions. This variant is not present in population databases (ExAC no frequency). This sequence change replaces aspartic acid with alanine at codon 104 of the SMARCB1 protein (p.Asp104Ala). The aspartic acid residue is highly conserved and there is a moderate physicochemical difference between aspartic acid and alanine.